The following is an entry in ClinVar:

ClinVar aggregate classification (germline): Benign/Likely benign. Review status: criteria provided, multiple submitters, no conflicts (2 of 4 stars). 3 submissions from 3 submitters: Benign (1); Likely benign (2). Last evaluated 2025-12-31.

Conditions:
Nemaline myopathy 2 (NEM2). Also called: Nemaline myopathy 2, autosomal recessive. Identifiers: MedGen C1850569, MONDO:0009725, OMIM 256030.

Allele frequency attached by ClinVar (database versions not stated): gnomAD 0.00001 and 0.00017; TOPMed 0.00002; ExAC 0.00070; 1000 Genomes Project 30x 0.00125; 1000 Genomes Project 0.00140.
gnomAD v4.1: 317 of 1,592,854 alleles (0.02%); highest among the groups gnomAD compares: South Asian, 0.34%; 1 homozygote.

Submissions (3):

Labcorp Genetics (formerly Invitae), Labcorp
Classification: Benign for Nemaline myopathy 2. Last evaluated: 2025-12-31. Review status: criteria provided, single submitter. Criteria: Invitae Variant Classification Sherloc (09022015). Collection method: clinical testing. Allele origin: germline.

Athena Diagnostics
Classification: Likely benign. Last evaluated: 2020-10-28. Review status: criteria provided, single submitter. Criteria: Athena Diagnostics criteria. Collection method: clinical testing. Allele origin: unknown.

GeneDx
Classification: Likely benign. Last evaluated: 2017-10-30. Review status: criteria provided, single submitter. Criteria: GeneDx Variant Classification (06012015). Collection method: clinical testing. Allele origin: germline. Affected: yes.
Comment: This variant is considered likely benign or benign based on one or more of the following criteria: it is a conservative change, it occurs at a poorly conserved position in the protein, it is predicted to be benign by multiple in silico algorithms, and/or has population frequency not consistent with disease.

NM_001164508.2(NEB):c.9723+7G>A

Gene: NEB (nebulin; minus strand). Cytogenetic location: 2q23.3.
Variant type: single nucleotide variant.
Coding change: c.9723+7G>A on transcript NM_001164508.2 (MANE Select); 7 bases into the intron after coding-DNA position 9723, G replaced by A.
Molecular consequence: intron variant.
Genome position (GRCh38, 1-based): chr2:151,630,708, C>T on the plus strand (G>A on the coding strand, the complement: NEB is on the minus strand). VCF-style: chr2-151630708-C-T. GRCh37 (hg19) VCF-style: chr2-152487222-C-T.
Other names: c.8994+7G>A (NM_004543.5); c.9723+7G>A (NM_001164507.2, NM_001271208.2).
Identifiers: ClinVar variation 513110 (VCV000513110.13), dbSNP rs557480322, ClinGen allele CA1909235.